The following is an entry in ClinVar:

ClinVar aggregate classification (germline): Uncertain significance. Review status: criteria provided, multiple submitters, no conflicts (2 of 4 stars). 2 submissions from 2 submitters: Uncertain significance (2). Last evaluated 2024-12-19.

Conditions:
Inborn genetic diseases. Identifiers: MedGen C0950123, MeSH D030342.

Allele frequency attached by ClinVar (database versions not stated): ExAC 0.00001; gnomAD exomes 0.00001; TOPMed 0.00001; gnomAD 0.00002.
gnomAD v4.1: 20 of 1,602,412 alleles (0.0012%); highest among the groups gnomAD compares: East Asian, 0.0067%; no homozygotes.

Submissions (2):

Labcorp Genetics (formerly Invitae), Labcorp
Classification: Uncertain significance. Last evaluated: 2024-12-19. Review status: criteria provided, single submitter. Criteria: Invitae Variant Classification Sherloc (09022015). Collection method: clinical testing. Allele origin: germline.
Comment: This sequence change replaces arginine, which is basic and polar, with tryptophan, which is neutral and slightly polar, at codon 342 of the TRPV6 protein (p.Arg342Trp). The frequency data for this variant in the population databases is considered unreliable, as metrics indicate poor data quality at this position in the gnomAD database. This variant has not been reported in the literature in individuals affected with TRPV6-related conditions. ClinVar contains an entry for this variant (Variation ID: 2727872). Experimental studies and prediction algorithms are not available or were not evaluated, and the functional significance of this variant is currently unknown. In summary, the available evidence is currently insufficient to determine the role of this variant in disease. Therefore, it has been classified as a Variant of Uncertain Significance.

Ambry Genetics
Classification: Uncertain significance for Inborn genetic diseases. Last evaluated: 2024-11-26. Review status: criteria provided, single submitter. Criteria: Ambry Variant Classification Scheme 2023. Collection method: clinical testing. Allele origin: germline.

NM_018646.6(TRPV6):c.1024C>T (p.Arg342Trp)

Gene: TRPV6 (transient receptor potential cation channel subfamily V member 6; minus strand). Cytogenetic location: 7q34.
Variant type: single nucleotide variant.
Coding change: c.1024C>T on transcript NM_018646.6 (MANE Select); coding-DNA position 1024, C replaced by T.
Protein change: p.Arg342Trp; replaces arginine 342 with tryptophan.
Molecular consequence: missense variant.
Genome position (GRCh38, 1-based): chr7:142,875,763, G>A on the plus strand (C>T on the coding strand, the complement: TRPV6 is on the minus strand). VCF-style: chr7-142875763-G-A. GRCh37 (hg19) VCF-style: chr7-142573516-G-A.
Other names: c.904C>T (NM_018646.2); short protein forms R342W.
Identifiers: ClinVar variation 2727872 (VCV002727872.4), dbSNP rs769173936, ClinGen allele CA4532662.
Genomic context (GRCh38, chr7:142,875,763, plus strand): 5'-GGCTCAGAGACCCTGACACCCCTCCCCAGCCACAGCCTGCTGTCATGAGCCATACCTCCC[G>A]CTTCTTGGTGGTGATGATAAGTTCCAGCAGGGACTGCTCATCCCCTGAGGAGTCGATCTC-3'
Protein context (NP_061116.5, residues 332-352): LLELIITTKK[Arg342Trp]EARQILDQTP